The following is an entry in ClinVar:

NM_000271.5(NPC1):c.1042C>T (p.Arg348Ter)

Gene: NPC1 (NPC intracellular cholesterol transporter 1; minus strand). Cytogenetic location: 18q11.2.
Variant type: single nucleotide variant.
Coding change: c.1042C>T on transcript NM_000271.5 (MANE Select); coding-DNA position 1042, C replaced by T.
Protein change: p.Arg348Ter; replaces arginine 348 with a stop codon.
Molecular consequence: nonsense.
Genome position (GRCh38, 1-based): chr18:23,556,527, G>A on the plus strand (C>T on the coding strand, the complement: NPC1 is on the minus strand). VCF-style: chr18-23556527-G-A. GRCh37 (hg19) VCF-style: chr18-21136491-G-A.
Other names: c.1042C>T (NM_000271.4); short protein forms R348*.
Identifiers: ClinVar variation 1405310 (VCV001405310.9), dbSNP rs1474434210, ClinGen allele CA401778711.

ClinVar aggregate classification (germline): Pathogenic/Likely pathogenic. Review status: criteria provided, multiple submitters, no conflicts (2 of 4 stars). 4 submissions from 4 submitters: Pathogenic (3); Likely pathogenic (1). Last evaluated 2023-12-09.

Conditions:
Niemann-Pick disease, type C1. Also called: NIEMANN-PICK DISEASE, VARIANT TYPE C1; NEUROVISCERAL STORAGE DISEASE WITH VERTICAL SUPRANUCLEAR OPHTHALMOPLEGIA; NIEMANN-PICK DISEASE WITH CHOLESTEROL ESTERIFICATION BLOCK; NIEMANN-PICK DISEASE WITHOUT SPHINGOMYELINASE DEFICIENCY; NIEMANN-PICK DISEASE, CHRONIC NEURONOPATHIC FORM. Identifiers: Orphanet 646, MedGen C3179455, MONDO:0009757, OMIM 257220.
Niemann-Pick disease, type C (NPC). Identifiers: Orphanet 646, MedGen C0220756, MONDO:0018982.

Allele frequency attached by ClinVar (database versions not stated): TOPMed 0.00001.
gnomAD v4.1: 4 of 1,614,072 alleles (0.00025%); highest among the groups gnomAD compares: Non-Finnish European, 0.00034%; no homozygotes.

Submissions (4):

GeneDx
Classification: Likely pathogenic. Last evaluated: 2023-12-09. Review status: criteria provided, single submitter. Criteria: GeneDx Variant Classification Process June 2021. Collection method: clinical testing. Allele origin: germline. Affected: yes.
Comment: Observed with a second variant in the NPC1 gene in a patient with Niemann-Pick disease type C from a family in which paternal gonadal mosaicism was suspected (PMID: 27549128); Nonsense variant predicted to result in protein truncation or nonsense mediated decay in a gene for which loss of function is a known mechanism of disease; Not observed at significant frequency in large population cohorts (gnomAD); This variant is associated with the following publications: (PMID: 19900398, 22286891, 24386122, 25349751, 26981555, 27549128)

Labcorp Genetics (formerly Invitae), Labcorp
Classification: Pathogenic for Niemann-Pick disease, type C1. Last evaluated: 2023-07-16. Review status: criteria provided, single submitter. Criteria: Invitae Variant Classification Sherloc (09022015). Collection method: clinical testing. Allele origin: germline.
Comment: For these reasons, this variant has been classified as Pathogenic. ClinVar contains an entry for this variant (Variation ID: 1405310). This premature translational stop signal has been observed in individual(s) with Niemann-Pick type C (PMID: 26981555, 27549128). In at least one individual the data is consistent with being in trans (on the opposite chromosome) from a pathogenic variant. This variant is not present in population databases (gnomAD no frequency). This sequence change creates a premature translational stop signal (p.Arg348*) in the NPC1 gene. It is expected to result in an absent or disrupted protein product. Loss-of-function variants in NPC1 are known to be pathogenic (PMID: 9211850).

Women's Health and Genetics/Laboratory Corporation of America, LabCorp
Classification: Pathogenic for Niemann-Pick disease, type C. Last evaluated: 2023-03-16. Review status: criteria provided, single submitter. Criteria: LabCorp Variant Classification Summary - May 2015. Collection method: clinical testing. Allele origin: germline.
Comment: Variant summary: NPC1 c.1042C>T (p.Arg348X) results in a premature termination codon, predicted to cause a truncation of the encoded protein or absence of the protein due to nonsense mediated decay, which are commonly known mechanisms for disease. Truncations downstream of this position have been classified as pathogenic by our laboratory. The variant was absent in 250764 control chromosomes (gnomAD). c.1042C>T has been reported in the literature in individuals affected with Niemann-Pick Disease (example: Sztolsztener _2010, Reunert_2016, Cervera-Gaviria_2016). These data indicate that the variant is likely to be associated with disease. One clinical diagnostic laboratory has submitted clinical-significance assessments for this variant to ClinVar after 2014 and classified the variant as pathogenic. Based on the evidence outlined above, the variant was classified as pathogenic.

Neuberg Centre For Genomic Medicine, NCGM
Classification: Pathogenic for Niemann-Pick disease, type C1. Review status: criteria provided, single submitter. Criteria: ACMG Guidelines, 2015. Collection method: clinical testing. Allele origin: germline. Inheritance: Autosomal recessive inheritance. Affected: yes.
Comment: The stop gained variant c.1042C>Tp.Arg348Ter in NPC1 gene has been reported in compound heterozygous state in multiple individulas affected with Niemann-Pick disease, type C1 Cervera-Gaviria et. al., 2016; Reunert et. al., 2015. The c.1042C>T variant is novel not in any individuals in gnomAD Exomes and 1000 Genomes. This variant has been reported to the ClinVar database as Pathogenic. The nucleotide change c.1042C>T in NPC1 is predicted as conserved by GERP++ and PhyloP across 100 vertebrates. This variant is predicted to cause loss of normal protein function through protein truncation. Loss-of-function variants in NPC1 are known to be Pathogenic Loftus et. al., 1997. For these reasons, this variant has been classified as Pathogenic.

Literature cited by the submitters: PubMed 26981555 (cited by Labcorp Genetics (formerly Invitae), Labcorp and Women's Health and Genetics/Laboratory Corporation of America, LabCorp); PubMed 27549128 (cited by Labcorp Genetics (formerly Invitae), Labcorp and Women's Health and Genetics/Laboratory Corporation of America, LabCorp); PubMed 9211850 (cited by Labcorp Genetics (formerly Invitae), Labcorp); PubMed 19900398 (cited by Women's Health and Genetics/Laboratory Corporation of America, LabCorp).